The following is an entry in ClinVar:

NM_001369.3(DNAH5):c.9396del (p.Tyr3133fs)

Gene: DNAH5 (dynein axonemal heavy chain 5; minus strand). Cytogenetic location: 5p15.2.
Variant type: Deletion.
Coding change: c.9396del on transcript NM_001369.3 (MANE Select); coding-DNA position 9396, one base deleted (C; older notation c.9396delC).
Protein change: p.Tyr3133fs; shifts the reading frame from tyrosine 3133.
Molecular consequence: frameshift variant.
Genome position (GRCh38, 1-based): chr5:13,770,958, G deleted on the plus strand (C on the coding strand, the reverse complement: DNAH5 is on the minus strand); the first of 2 consecutive G bases (chr5:13,770,958-13,770,959); deleting either gives the same sequence. VCF-style (leftmost placement, unchanged base first): chr5-13770957-AG-A. GRCh37 (hg19) VCF-style: chr5-13771066-AG-A.
Other names: short protein forms Y3133fs.
Identifiers: ClinVar variation 3687411 (VCV003687411.2).

ClinVar aggregate classification (germline): Pathogenic (1 of 4 stars; one submission).

Conditions:
Primary ciliary dyskinesia. Also called: Ciliary dyskinesia. Identifiers: Orphanet 244, MedGen C0008780, MONDO:0016575, HP:0012265.

Submission:

Labcorp Genetics (formerly Invitae), Labcorp
Classification: Pathogenic for Primary ciliary dyskinesia. Last evaluated: 2024-03-20. Review status: criteria provided, single submitter. Criteria: Invitae Variant Classification Sherloc (09022015). Collection method: clinical testing. Allele origin: germline.
Comment: This sequence change creates a premature translational stop signal (p.Tyr3133Metfs*41) in the DNAH5 gene. It is expected to result in an absent or disrupted protein product. Loss-of-function variants in DNAH5 are known to be pathogenic (PMID: 11788826, 16627867). This variant is not present in population databases (gnomAD no frequency). This variant has not been reported in the literature in individuals affected with DNAH5-related conditions. For these reasons, this variant has been classified as Pathogenic.

Literature cited by the submitters: PubMed 11788826; PubMed 16627867.